The following is an entry in ClinVar:

ClinVar aggregate classification (germline): Uncertain significance (1 of 4 stars; one submission).

Conditions:
Familial thoracic aortic aneurysm and aortic dissection (TAAD). Also called: Thoracic aortic aneurysms and dissections. Identifiers: Orphanet 91387, MedGen C4707243, MONDO:0019625.

gnomAD v4.1: 1 of 1,612,396 alleles (0.000062%); highest among the groups gnomAD compares: Non-Finnish European, 0.000085%; no homozygotes.

Submission:

Color Diagnostics, LLC DBA Color Health
Classification: Uncertain significance for Familial thoracic aortic aneurysm and aortic dissection. Last evaluated: 2025-06-17. Review status: criteria provided, single submitter. Criteria: ACMG Guidelines, 2015. Collection method: clinical testing. Allele origin: germline.
Comment: This missense variant replaces alanine with serine at codon 1281 of the MYH11 protein. Computational prediction suggests that this variant may not impact protein structure and function. To our knowledge, functional studies have not been reported for this variant. This variant has not been reported in individuals affected with MYH11-related disorders in the literature. This variant has not been identified in the general population by the Genome Aggregation Database (gnomAD). The available evidence is insufficient to determine the role of this variant in disease conclusively. Therefore, this variant is classified as a Variant of Uncertain Significance.

NM_002474.3(MYH11):c.3820G>T (p.Ala1274Ser)

Gene: MYH11 (myosin heavy chain 11; minus strand). Cytogenetic location: 16p13.11.
Variant type: single nucleotide variant.
Coding change: c.3820G>T on transcript NM_002474.3 (MANE Select); coding-DNA position 3820, G replaced by T.
Protein change: p.Ala1274Ser; replaces alanine 1274 with serine.
Molecular consequence: missense variant.
Genome position (GRCh38, 1-based): chr16:15,726,886, C>A on the plus strand (G>T on the coding strand, the complement: MYH11 is on the minus strand). VCF-style: chr16-15726886-C-A. GRCh37 (hg19) VCF-style: chr16-15820743-C-A.
Other names: c.3841G>T, p.Ala1281Ser (NM_001040113.2, NM_001040114.2); c.3820G>T, p.Ala1274Ser (NM_022844.3); short protein forms A1274S, A1281S.
Identifiers: ClinVar variation 4756955 (VCV004756955.1).